The following is an entry in ClinVar:

ClinVar aggregate classification (germline): Benign (1 of 4 stars; one submission).

Conditions:
Retinitis pigmentosa (RP). Identifiers: Orphanet 791, MedGen C0035334, MeSH D012174, MONDO:0019200, OMIM 268000. Inheritance: Autosomal dominant, autosomal recessive and X linked inheritance.

Allele frequency attached by ClinVar (database versions not stated): 1000 Genomes Project 30x 0.00333; 1000 Genomes Project 0.00344; gnomAD 0.00471 and 0.00507; TOPMed 0.00522.

Submission:

Illumina Laboratory Services, Illumina
Classification: Benign for Retinitis pigmentosa. Last evaluated: 2018-01-13. Review status: criteria provided, single submitter. Criteria: ICSL Variant Classification Criteria 13 December 2019. Collection method: clinical testing. Allele origin: germline.
Comment: This variant was observed in the ICSL laboratory as part of a predisposition screen in an ostensibly healthy population. It had not been previously curated by ICSL or reported in the Human Gene Mutation Database (HGMD: prior to June 1st, 2018), and was therefore a candidate for classification through an automated scoring system. Utilizing variant allele frequency, disease prevalence and penetrance estimates, and inheritance mode, an automated score was calculated to assess if this variant is too frequent to cause the disease. Based on the score and internal cut-off values, a variant classified as benign is not then subjected to further curation. The score for this variant resulted in a classification of benign for this disease.

NM_006915.3(RP2):c.*958A>C

Gene: RP2 (RP2 activator of ARL3 GTPase; plus strand). Cytogenetic location: Xp11.3.
Variant type: single nucleotide variant.
Coding change: c.*958A>C on transcript NM_006915.3 (MANE Select); 958 bases downstream of the stop codon, A replaced by C.
Molecular consequence: 3 prime UTR variant.
Genome position (GRCh38, 1-based): chrX:46,880,727, A>C. VCF-style: chrX-46880727-A-C. GRCh37 (hg19) VCF-style: chrX-46740162-A-C.
Identifiers: ClinVar variation 368314 (VCV000368314.5), dbSNP rs190692640, ClinGen allele CA10646151.